The following is an entry in ClinVar:

NM_024675.4(PALB2):c.3477G>A (p.Trp1159Ter)

Gene: PALB2 (partner and localizer of BRCA2; minus strand). Cytogenetic location: 16p12.2.
Variant type: single nucleotide variant.
Coding change: c.3477G>A on transcript NM_024675.4 (MANE Select); coding-DNA position 3477, G replaced by A.
Protein change: p.Trp1159Ter; replaces tryptophan 1159 with a stop codon.
Molecular consequence: nonsense.
Genome position (GRCh38, 1-based): chr16:23,603,543, C>T on the plus strand (G>A on the coding strand, the complement: PALB2 is on the minus strand). VCF-style: chr16-23603543-C-T. GRCh37 (hg19) VCF-style: chr16-23614864-C-T.
Other names: short protein forms W1159*.
Identifiers: ClinVar variation 655696 (VCV000655696.11), dbSNP rs1597061983, ClinGen allele CA395137993.

ClinVar aggregate classification (germline): Pathogenic/Likely pathogenic. Review status: criteria provided, multiple submitters, no conflicts (2 of 4 stars). 3 submissions from 3 submitters: Pathogenic (1); Likely pathogenic (2). Last evaluated 2023-10-06.

Conditions:
Familial cancer of breast. Also called: Hereditary breast cancer; hereditary breast carcinoma; BREAST CANCER, FAMILIAL. Identifiers: Orphanet 227535, MedGen C0346153, MONDO:0016419, OMIM 114480. Disease mechanism: loss of function.
Hereditary cancer-predisposing syndrome. Also called: Hereditary neoplastic syndrome; Tumor predisposition; Neoplastic Syndromes, Hereditary; Hereditary Cancer Syndrome. Identifiers: Orphanet 140162, MedGen C0027672, MeSH D009386, MONDO:0015356.

Submissions (3):

Ambry Genetics
Classification: Likely pathogenic for Hereditary cancer-predisposing syndrome. Last evaluated: 2023-10-06. Review status: criteria provided, single submitter. Criteria: Ambry Variant Classification Scheme 2023. Collection method: clinical testing. Allele origin: germline.
Comment: The p.W1159* variant (also known as c.3477G>A), located in coding exon 13 of the PALB2 gene, results from a G to A substitution at nucleotide position 3477. This changes the amino acid from a tryptophan to a stop codon within coding exon 13. This alteration occurs at the 3' terminus of thePALB2 gene, is not expected to trigger nonsense-mediated mRNA decay, and only impacts the last 28 amino acids of the protein. However, premature stop codons are typically deleterious in nature and the impacted region is critical for protein function (Ambry internal data). This variant is considered to be rare based on population cohorts in the Genome Aggregation Database (gnomAD). Based on the majority of available evidence to date, this variant is likely to be pathogenic.

Baylor Genetics
Classification: Likely pathogenic for Familial cancer of breast. Last evaluated: 2022-06-28. Review status: criteria provided, single submitter. Criteria: ACMG Guidelines, 2015. Collection method: clinical testing. Allele origin: unknown.

Labcorp Genetics (formerly Invitae), Labcorp
Classification: Pathogenic for Familial cancer of breast. Last evaluated: 2021-07-09. Review status: criteria provided, single submitter. Criteria: Invitae Variant Classification Sherloc (09022015). Collection method: clinical testing. Allele origin: germline.
Comment: For these reasons, this variant has been classified as Pathogenic. This variant is not present in population databases (ExAC no frequency). A different truncation (p.Tyr1183*) that lies downstream of this variant has been determined to be pathogenic (PMID: 17200668, 26315354, 17200671, 21365267, 22241545, 19609323). This suggests that deletion of this region of the PALB2 protein is causative of disease. This variant has not been reported in the literature in individuals with PALB2-related disease. This sequence change results in a premature translational stop signal in the PALB2 gene (p.Trp1159*). While this is not anticipated to result in nonsense mediated decay, it is expected to disrupt the last 28 amino acids of the PALB2 protein.

Literature cited by the submitters: PubMed 17200668 (cited by Labcorp Genetics (formerly Invitae), Labcorp); PubMed 26315354 (cited by Labcorp Genetics (formerly Invitae), Labcorp); PubMed 17200671 (cited by Labcorp Genetics (formerly Invitae), Labcorp); PubMed 21365267 (cited by Labcorp Genetics (formerly Invitae), Labcorp); PubMed 22241545 (cited by Labcorp Genetics (formerly Invitae), Labcorp); PubMed 19609323 (cited by Labcorp Genetics (formerly Invitae), Labcorp).